The following is an entry in ClinVar:

NM_004484.4(GPC3):c.693G>A (p.Gln231=)

Gene: GPC3 (glypican 3; minus strand). Cytogenetic location: Xq26.2.
Variant type: single nucleotide variant.
Coding change: c.693G>A on transcript NM_004484.4 (MANE Select); coding-DNA position 693, G replaced by A.
Protein change: p.Gln231=; no amino-acid change (glutamine 231 retained).
Molecular consequence: synonymous variant.
Genome position (GRCh38, 1-based): chrX:133,753,821, C>T on the plus strand (G>A on the coding strand, the complement: GPC3 is on the minus strand). VCF-style: chrX-133753821-C-T. GRCh37 (hg19) VCF-style: chrX-132887848-C-T.
Other names: c.693G>A, p.Gln231= (NM_001164617.2); c.645G>A, p.Gln215= (NM_001164618.2); c.531G>A, p.Gln177= (NM_001164619.2).
Identifiers: ClinVar variation 662611 (VCV000662611.16), dbSNP rs768782219, ClinGen allele CA10520806.

ClinVar aggregate classification (germline): Conflicting classifications of pathogenicity. Review status: criteria provided, conflicting classifications (1 of 4 stars). 4 submissions from 4 submitters: Uncertain significance (1); Benign (1); Likely benign (1). 1 of the submissions does not count toward it. Last evaluated 2025-11-23.

Conditions:
Wilms tumor 1 (WT1). Also called: Wilms tumor, somatic. Identifiers: Orphanet 654, MedGen CN033288, MONDO:0008679, OMIM 194070.
Simpson-Golabi-Behmel syndrome type 1 (SGBS1). Also called: GPC3-Related Simpson-Golabi-Behmel Syndrome Type 1; SIMPSON DYSMORPHIA SYNDROME; BULLDOG SYNDROME; DYSPLASIA GIGANTISM SYNDROME, X-LINKED; GOLABI-ROSEN SYNDROME. Identifiers: Orphanet 373, MedGen C0796154, MONDO:0020602, OMIM 312870.
GPC3-related disorder. Also called: GPC3-related condition.

Allele frequency attached by ClinVar (database versions not stated): ExAC 0.00002; gnomAD 0.00002; gnomAD exomes 0.00002 and 0.00007; TOPMed 0.00002.
gnomAD v4.1: 82 of 1,209,477 alleles (0.0068%); highest among the groups gnomAD compares: Non-Finnish European, 0.0086%; no homozygotes.

Submissions (4):

Labcorp Genetics (formerly Invitae), Labcorp
Classification: Benign for Wilms tumor 1. Last evaluated: 2025-11-23. Review status: criteria provided, single submitter. Criteria: Invitae Variant Classification Sherloc (09022015). Collection method: clinical testing. Allele origin: germline.

Fulgent Genetics
Classification: Uncertain significance for Wilms tumor 1; Simpson-Golabi-Behmel syndrome type 1. Last evaluated: 2024-03-01. Review status: criteria provided, single submitter. Criteria: ACMG Guidelines, 2015. Collection method: clinical testing. Allele origin: germline.

Genetic Services Laboratory, University of Chicago
Classification: Likely benign. Last evaluated: 2021-06-01. Review status: criteria provided, single submitter. Criteria: ACMG Guidelines, 2015. Collection method: clinical testing. Allele origin: germline. Affected: no.

PreventionGenetics, part of Exact Sciences
Classification: Likely benign for GPC3-related condition. Last evaluated: 2024-06-03. Review status: no assertion criteria provided. Collection method: clinical testing. Allele origin: germline. Not counted in ClinVar's aggregate classification.
Comment: This variant is classified as likely benign based on ACMG/AMP sequence variant interpretation guidelines (Richards et al. 2015 PMID: 25741868, with internal and published modifications).